The following is an entry in ClinVar:

ClinVar aggregate classification (germline): Uncertain significance (1 of 4 stars; one submission).

Submission:

Dasa
Classification: Uncertain significance. Last evaluated: 2026-05-04. Review status: criteria provided, single submitter. Criteria: DASA Assertion Criteria. Collection method: clinical testing. Allele origin: germline.
Comment: NM_181458.4(PAX3):c.1075A>C (p.Thr359Pro) is a missense variant that results in the substitution of threonine with proline. This variant is absent from population databases. The currently available literature and clinical evidence are not sufficient to establish a definitive association between this variant and the reported condition. Therefore, this variant is classified as a variant of uncertain significance.

NM_181458.4(PAX3):c.1075A>C (p.Thr359Pro)

Genes: PAX3 (paired box 3; minus strand), LOC126806529 (CDK7 strongly-dependent group 2 enhancer GRCh37_chr2:223084735-223085934; plus strand). Cytogenetic location: 2q36.1.
Variant type: single nucleotide variant.
Coding change: c.1075A>C on transcript NM_181458.4 (MANE Select); coding-DNA position 1075, A replaced by C.
Protein change: p.Thr359Pro; replaces threonine 359 with proline.
Molecular consequence: missense variant.
Genome position (GRCh38, 1-based): chr2:222,220,238, T>G on the plus strand (A>C on the coding strand, the complement: PAX3 is on the minus strand). VCF-style: chr2-222220238-T-G. GRCh37 (hg19) VCF-style: chr2-223084957-T-G.
Other names: c.1072A>C, p.Thr358Pro (NM_001127366.3); c.1075A>C, p.Thr359Pro (NM_181457.4, NM_181459.4, NM_181460.4 and 1 more transcripts); short protein forms T358P, T359P.
Identifiers: ClinVar variation 5020630 (VCV005020630.1).